The following is an entry in ClinVar:

ClinVar aggregate classification (germline): Likely benign. Review status: criteria provided, multiple submitters, no conflicts (2 of 4 stars). 4 submissions from 4 submitters: Likely benign (3). 1 of the submissions does not count toward it. Last evaluated 2025-09-01.

Conditions:
FUS-related disorder. Also called: FUS-related condition.
Inborn genetic diseases. Identifiers: MedGen C0950123, MeSH D030342.
Amyotrophic lateral sclerosis type 6. Also called: FUS-Related Amyotrophic Laterial Sclerosis; AMYOTROPHIC LATERAL SCLEROSIS 6 WITHOUT FRONTOTEMPORAL DEMENTIA; Amyotrophic lateral sclerosis 6, with or without frontotemporal dementia. Identifiers: Orphanet 275872, Orphanet 803, MedGen C2931786, MONDO:0011951, OMIM 608030.
Tremor, hereditary essential, 4 (ETM4). Identifiers: MedGen C3539195, MONDO:0013888, OMIM 614782.

Allele frequency attached by ClinVar (database versions not stated): ExAC 0.00005; gnomAD 0.00006; gnomAD exomes 0.00007 and 0.00010; TOPMed 0.00009.
gnomAD v4.1: 162 of 1,612,954 alleles (0.01%); highest among the groups gnomAD compares: Non-Finnish European, 0.013%; no homozygotes.

Submissions (4):

CeGaT Center for Human Genetics Tuebingen
Classification: Likely benign. Last evaluated: 2025-09-01. Review status: criteria provided, single submitter. Criteria: CeGaT Center For Human Genetics Tuebingen Variant Classification Criteria Version 2. Collection method: clinical testing. Allele origin: germline. Affected: yes. Observed: 2 variant alleles.
Comment: FUS: BP4, BP7

Ambry Genetics
Classification: Likely benign for Inborn genetic diseases. Last evaluated: 2025-06-07. Review status: criteria provided, single submitter. Criteria: Ambry Variant Classification Scheme 2023. Collection method: clinical testing. Allele origin: germline.

Labcorp Genetics (formerly Invitae), Labcorp
Classification: Likely benign for Tremor, hereditary essential, 4; Amyotrophic lateral sclerosis type 6. Last evaluated: 2025-05-13. Review status: criteria provided, single submitter. Criteria: Invitae Variant Classification Sherloc (09022015). Collection method: clinical testing. Allele origin: germline.

PreventionGenetics, part of Exact Sciences
Classification: Likely benign for FUS-related condition. Last evaluated: 2023-09-12. Review status: no assertion criteria provided. Collection method: clinical testing. Allele origin: germline. Not counted in ClinVar's aggregate classification.
Comment: This variant is classified as likely benign based on ACMG/AMP sequence variant interpretation guidelines (Richards et al. 2015 PMID: 25741868, with internal and published modifications).

NM_004960.4(FUS):c.1461C>T (p.Arg487=)

Gene: FUS (FUS DNA/RNA binding protein; plus strand). Cytogenetic location: 16p11.2.
Variant type: single nucleotide variant.
Coding change: c.1461C>T on transcript NM_004960.4 (MANE Select); coding-DNA position 1461, C replaced by T.
Protein change: p.Arg487=; no amino-acid change (arginine 487 retained).
Molecular consequence: synonymous variant. On other transcripts: non-coding transcript variant (1).
Genome position (GRCh38, 1-based): chr16:31,191,030, C>T. VCF-style: chr16-31191030-C-T. GRCh37 (hg19) VCF-style: chr16-31202351-C-T.
Other names: c.1461C>T (NM_004960.3); c.1458C>T, p.Arg486= (NM_001170634.1); c.1449C>T, p.Arg483= (NM_001170937.1).
Identifiers: ClinVar variation 1669202 (VCV001669202.20), dbSNP rs755870176, ClinGen allele CA8024067.
Genomic context (GRCh38, chr16:31,191,030, plus strand): 5'-CTACGGGGATGATCGTCGTGGTGGCAGAGGAGGCTATGATCGAGGCGGCTACCGGGGCCG[C>T]GGCGGGGACCGTGGAGGCTTCCGAGGGGGCCGGGGTGGTGGGGACAGAGGTGGCTTTGGC-3'
Protein context (NP_004951.1, residues 477-497): GGYDRGGYRG[Arg487=]GGDRGGFRGG